The following is an entry in ClinVar:

NM_006218.4(PIK3CA):c.2812T>G (p.Leu938Val)

Gene: PIK3CA (phosphatidylinositol-4,5-bisphosphate 3-kinase catalytic subunit alpha; plus strand). Cytogenetic location: 3q26.32.
Variant type: single nucleotide variant.
Coding change: c.2812T>G on transcript NM_006218.4 (MANE Select); coding-DNA position 2812, T replaced by G.
Protein change: p.Leu938Val; replaces leucine 938 with valine.
Molecular consequence: missense variant.
Genome position (GRCh38, 1-based): chr3:179,230,252, T>G. VCF-style: chr3-179230252-T-G. GRCh37 (hg19) VCF-style: chr3-178948040-T-G.
Other names: short protein forms L938V.
Identifiers: ClinVar variation 4136824 (VCV004136824.1).
Genomic context (GRCh38, chr3:179,230,252, plus strand): 5'-TCAAACTATAACATAATTTCTTATTTTTGAAAGCTGTTTCATATAGATTTTGGACACTTT[T>G]TGGATCACAAGAAGAAAAAATTTGGTTATAAACGAGAACGTGTGCCATTTGTTTTGACAC-3'
Protein context (NP_006209.2, residues 928-948): QLFHIDFGHF[Leu938Val]DHKKKKFGYK

ClinVar aggregate classification (germline): Uncertain significance (1 of 4 stars; one submission).

Conditions:
Inborn genetic diseases. Identifiers: MedGen C0950123, MeSH D030342.

Submission:

Ambry Genetics
Classification: Uncertain significance for Inborn genetic diseases. Last evaluated: 2025-09-12. Review status: criteria provided, single submitter. Criteria: Ambry Variant Classification Scheme 2023. Collection method: clinical testing. Allele origin: germline.
Comment: The p.L938V variant (also known as c.2812T>G), located in coding exon 19 of the PIK3CA gene, results from a T to G substitution at nucleotide position 2812. The leucine at codon 938 is replaced by valine, an amino acid with highly similar properties. This amino acid position is conserved. In addition, this alteration is predicted to be deleterious by in silico analysis. Based on the available evidence, the clinical significance of this variant remains unclear.